The following is an entry in ClinVar:

ClinVar aggregate classification (germline): Pathogenic (1 of 4 stars; one submission).

Submission:

Centre of Medical Genetics, University Hospital Muenster
Classification: Pathogenic. Last evaluated: 2021-12-10. Review status: criteria provided, single submitter. Criteria: ACMG Guidelines, 2015. Collection method: clinical testing. Allele origin: de novo. Affected: yes. Observed: 1 variant allele, 1 homozygote.
Comment: ACMG categories: PVS1,PS2,PM2,PP4

NM_004006.3(DMD):c.1929G>A (p.Trp643Ter)

Gene: DMD (dystrophin; minus strand). Cytogenetic location: Xp21.1.
Variant type: single nucleotide variant.
Coding change: c.1929G>A on transcript NM_004006.3 (MANE Select); coding-DNA position 1929, G replaced by A.
Protein change: p.Trp643Ter; replaces tryptophan 643 with a stop codon.
Molecular consequence: nonsense.
Genome position (GRCh38, 1-based): chrX:32,565,765, C>T on the plus strand (G>A on the coding strand, the complement: DMD is on the minus strand). VCF-style: chrX-32565765-C-T. GRCh37 (hg19) VCF-style: chrX-32583882-C-T.
Other names: c.1905G>A, p.Trp635Ter (NM_000109.4); c.1917G>A, p.Trp639Ter (NM_004009.3); c.1560G>A, p.Trp520Ter (NM_004010.3); short protein forms W520*, W635*, W639*, W643*.
Identifiers: ClinVar variation 1708439 (VCV001708439.3), dbSNP rs2526583975, ClinGen allele CA412672515.
Genomic context (GRCh38, chrX:32,565,765, plus strand): 5'-TGCTGTACTCTTTTCAAGTTTTTGGACTAAATTATCCCAACACCGGGCAAAGTTATCCAG[C>T]CATGCTTCCGTCTTCTGGGTCACTGACTTATTCTTCAGTGTTGAAAGAAGATCTTGTTTG-3'